The following is an entry in ClinVar:

NM_005228.5(EGFR):c.269T>A (p.Leu90His)

Gene: EGFR (epidermal growth factor receptor; plus strand). Cytogenetic location: 7p11.2.
Variant type: single nucleotide variant.
Coding change: c.269T>A on transcript NM_005228.5 (MANE Select); coding-DNA position 269, T replaced by A.
Protein change: p.Leu90His; replaces leucine 90 with histidine.
Molecular consequence: missense variant. On other transcripts: intron variant (1).
Genome position (GRCh38, 1-based): chr7:55,143,333, T>A. VCF-style: chr7-55143333-T-A. GRCh37 (hg19) VCF-style: chr7-55211026-T-A.
Other names: c.269T>A, p.Leu90His (NM_001346897.2, NM_001346898.2, NM_001346899.2 and 3 more transcripts); c.110T>A, p.Leu37His (NM_001346900.2); c.89-12497T>A (NM_001346941.2); short protein forms L37H, L90H.
Identifiers: ClinVar variation 4016701 (VCV004016701.1).

ClinVar aggregate classification (germline): Uncertain significance (1 of 4 stars; one submission).

Conditions:
Hereditary cancer-predisposing syndrome. Also called: Tumor predisposition; Hereditary neoplastic syndrome; Neoplastic Syndromes, Hereditary; Hereditary Cancer Syndrome. Identifiers: Orphanet 140162, MedGen C0027672, MeSH D009386, MONDO:0015356.

Submission:

Ambry Genetics
Classification: Uncertain significance for Hereditary cancer-predisposing syndrome. Last evaluated: 2025-03-25. Review status: criteria provided, single submitter. Criteria: Ambry Variant Classification Scheme 2023. Collection method: clinical testing. Allele origin: germline.
Comment: The p.L90H variant (also known as c.269T>A), located in coding exon 3 of the EGFR gene, results from a T to A substitution at nucleotide position 269. The leucine at codon 90 is replaced by histidine, an amino acid with similar properties. This amino acid position is conserved. In addition, this alteration is predicted to be deleterious by in silico analysis. Based on the available evidence, the clinical significance of this variant remains unclear.